The following is an entry in ClinVar:

ClinVar aggregate classification (germline): Uncertain significance (1 of 4 stars; one submission).

Submission:

Labcorp Genetics (formerly Invitae), Labcorp
Classification: Uncertain significance. Last evaluated: 2022-05-15. Review status: criteria provided, single submitter. Criteria: Invitae Variant Classification Sherloc (09022015). Collection method: clinical testing. Allele origin: germline.
Comment: In summary, the available evidence is currently insufficient to determine the role of this variant in disease. Therefore, it has been classified as a Variant of Uncertain Significance. Algorithms developed to predict the effect of missense changes on protein structure and function (SIFT, PolyPhen-2, Align-GVGD) all suggest that this variant is likely to be disruptive. This variant has not been reported in the literature in individuals affected with USH2A-related conditions. This variant is not present in population databases (gnomAD no frequency). This sequence change replaces alanine, which is neutral and non-polar, with serine, which is neutral and polar, at codon 630 of the USH2A protein (p.Ala630Ser).

NM_206933.4(USH2A):c.1888G>T (p.Ala630Ser)

Gene: USH2A (usherin; minus strand). Cytogenetic location: 1q41.
Variant type: single nucleotide variant.
Coding change: c.1888G>T on transcript NM_206933.4 (MANE Select); coding-DNA position 1888, G replaced by T.
Protein change: p.Ala630Ser; replaces alanine 630 with serine.
Molecular consequence: missense variant.
Genome position (GRCh38, 1-based): chr1:216,289,363, C>A on the plus strand (G>T on the coding strand, the complement: USH2A is on the minus strand). VCF-style: chr1-216289363-C-A. GRCh37 (hg19) VCF-style: chr1-216462705-C-A.
Other names: c.1888G>T, p.Ala630Ser (NM_007123.6); short protein forms A630S.
Identifiers: ClinVar variation 1917919 (VCV001917919.5), dbSNP rs2036953620, ClinGen allele CA344902837.
Genomic context (GRCh38, chr1:216,289,363, plus strand): 5'-TTCTAGTGCCAACTGTATCACAGTCACAGGGTTTGCAAACATCTATGGCCGAAGGATCTG[C>A]ACCAACTTGTCGGAAAAAGTAATCCTTGCACAGCTCACAGTTCCTTCCTGCATCAGGGAA-3'
Protein context (NP_996816.3, residues 620-640): CKDYFFRQVG[Ala630Ser]DPSAIDVCKP